The following is an entry in ClinVar:

NM_001377.3(DYNC2H1):c.5211G>A (p.Trp1737Ter)

Gene: DYNC2H1 (dynein cytoplasmic 2 heavy chain 1; plus strand). Cytogenetic location: 11q22.3.
Variant type: single nucleotide variant.
Coding change: c.5211G>A on transcript NM_001377.3 (MANE Select); coding-DNA position 5211, G replaced by A.
Protein change: p.Trp1737Ter; replaces tryptophan 1737 with a stop codon.
Molecular consequence: nonsense.
Genome position (GRCh38, 1-based): chr11:103,170,945, G>A. VCF-style: chr11-103170945-G-A. GRCh37 (hg19) VCF-style: chr11-103041674-G-A.
Other names: c.5211G>A, p.Trp1737Ter (NM_001080463.2); short protein forms W1737*.
Identifiers: ClinVar variation 4913727 (VCV004913727.2).

ClinVar aggregate classification (germline): Pathogenic/Likely pathogenic. Review status: criteria provided, multiple submitters, no conflicts (2 of 4 stars). 2 submissions from 2 submitters: Pathogenic (1); Likely pathogenic (1). Last evaluated 2026-03-26.

Conditions:
DYNC2H1-related disorder. Also called: DYNC2H1-related condition; DYNC2H1-related disorders. Identifiers: MedGen CN378770.
Asphyxiating thoracic dystrophy 3. Also called: SHORT-RIB THORACIC DYSPLASIA 3 WITH OR WITHOUT POLYDACTYLY; POLYDACTYLY WITH NEONATAL CHONDRODYSTROPHY, TYPE I; SHORT-RIB THORACIC DYSPLASIA 3/6 WITH POLYDACTYLY, DIGENIC; Short rib polydactyly syndrome 2B; Saldino-Noonan Syndrome. Identifiers: Orphanet 474, Orphanet 93269, Orphanet 93270, Orphanet 93271, MedGen C0036069, MONDO:0013127, OMIM 613091.

gnomAD v4.1: 1 of 1,606,548 alleles (0.000062%); highest among the groups gnomAD compares: South Asian, 0.0011%; no homozygotes.

Submissions (2):

Myriad Genetics, Inc.
Classification: Pathogenic for Asphyxiating thoracic dystrophy 3. Last evaluated: 2026-03-26. Review status: criteria provided, single submitter. Criteria: Myriad Autosomal Dominant, Autosomal Recessive and X-Linked Classification Criteria (2023). Collection method: clinical testing. Allele origin: unknown.
Comment: NM_001377.2(DYNC2H1):c.5211G>A(W1737*) is expected to be pathogenic in the context of DYNC2H1-related disorders. This variant is predicted to lead to an abnormal or absent protein product due to the creation of a premature termination codon in DYNC2H1, a gene where loss-of-function variants are known to be pathogenic. Please note: this variant was assessed in the context of healthy population screening.

Blueprint Genetics
Classification: Likely pathogenic for DYNC2H1-related disorders. Last evaluated: 2023-08-03. Review status: criteria provided, single submitter. Criteria: ACMG Guidelines, 2015. Collection method: clinical testing. Allele origin: germline. Affected: yes. Observed: 1 variant allele.